The following is an entry in ClinVar:

NM_001164665.2(KIAA1549):c.1885A>G (p.Thr629Ala)

Gene: KIAA1549 (KIAA1549; minus strand). Cytogenetic location: 7q34.
Variant type: single nucleotide variant.
Coding change: c.1885A>G on transcript NM_001164665.2 (MANE Select); coding-DNA position 1885, A replaced by G.
Protein change: p.Thr629Ala; replaces threonine 629 with alanine.
Molecular consequence: missense variant.
Genome position (GRCh38, 1-based): chr7:138,917,741, T>C on the plus strand (A>G on the coding strand, the complement: KIAA1549 is on the minus strand). VCF-style: chr7-138917741-T-C. GRCh37 (hg19) VCF-style: chr7-138602487-T-C.
Other names: c.1885A>G, p.Thr629Ala (NM_020910.3); short protein forms T629A.
Identifiers: ClinVar variation 939189 (VCV000939189.10), dbSNP rs576958226, ClinGen allele CA4506614.

ClinVar aggregate classification (germline): Uncertain significance (1 of 4 stars; one submission).

Allele frequency attached by ClinVar (database versions not stated): TOPMed below 0.00001; gnomAD 0.00001; gnomAD exomes 0.00001 and 0.00002; ExAC 0.00002; 1000 Genomes Project 30x 0.00016; 1000 Genomes Project 0.00020.
gnomAD v4.1: 9 of 1,586,770 alleles (0.00057%); highest among the groups gnomAD compares: Admixed American, 0.0036%; no homozygotes.

Submission:

Labcorp Genetics (formerly Invitae), Labcorp
Classification: Uncertain significance. Last evaluated: 2022-03-19. Review status: criteria provided, single submitter. Criteria: Invitae Variant Classification Sherloc (09022015). Collection method: clinical testing. Allele origin: germline.
Comment: This sequence change replaces threonine, which is neutral and polar, with alanine, which is neutral and non-polar, at codon 629 of the KIAA1549 protein (p.Thr629Ala). This variant is present in population databases (rs576958226, gnomAD 0.009%). This variant has not been reported in the literature in individuals affected with KIAA1549-related conditions. ClinVar contains an entry for this variant (Variation ID: 939189). Algorithms developed to predict the effect of missense changes on protein structure and function output the following: SIFT: "Deleterious"; PolyPhen-2: "Benign"; Align-GVGD: "Class C0". The alanine amino acid residue is found in multiple mammalian species, which suggests that this missense change does not adversely affect protein function. In summary, the available evidence is currently insufficient to determine the role of this variant in disease. Therefore, it has been classified as a Variant of Uncertain Significance. Algorithms developed to predict the effect of sequence changes on RNA splicing suggest that this variant may create or strengthen a splice site.